The following is an entry in ClinVar:

ClinVar aggregate classification (germline): Uncertain significance (1 of 4 stars; one submission).

Conditions:
Wilms tumor 1 (WT1). Also called: Wilms tumor, somatic. Identifiers: Orphanet 654, MedGen CN033288, MONDO:0008679, OMIM 194070.

Submission:

Labcorp Genetics (formerly Invitae), Labcorp
Classification: Uncertain significance for Wilms tumor 1. Last evaluated: 2023-10-15. Review status: criteria provided, single submitter. Criteria: Invitae Variant Classification Sherloc (09022015). Collection method: clinical testing. Allele origin: germline.
Comment: This sequence change replaces arginine, which is basic and polar, with methionine, which is neutral and non-polar, at codon 389 of the GPC3 protein (p.Arg389Met). This variant also falls at the last nucleotide of exon 4, which is part of the consensus splice site for this exon. This variant is not present in population databases (gnomAD no frequency). This variant has not been reported in the literature in individuals affected with GPC3-related conditions. An algorithm developed to predict the effect of missense changes on protein structure and function (PolyPhen-2) suggests that this variant is likely to be disruptive. Variants that disrupt the consensus splice site are a relatively common cause of aberrant splicing (PMID: 17576681, 9536098). Algorithms developed to predict the effect of sequence changes on RNA splicing suggest that this variant may create or strengthen a splice site. In summary, the available evidence is currently insufficient to determine the role of this variant in disease. Therefore, it has been classified as a Variant of Uncertain Significance.

Literature cited by the submitters: PubMed 17576681; PubMed 9536098.

NM_004484.4(GPC3):c.1166G>T (p.Arg389Met)

Gene: GPC3 (glypican 3; minus strand). Cytogenetic location: Xq26.2.
Variant type: single nucleotide variant.
Coding change: c.1166G>T on transcript NM_004484.4 (MANE Select); coding-DNA position 1166, G replaced by T.
Protein change: p.Arg389Met; replaces arginine 389 with methionine.
Molecular consequence: missense variant.
Genome position (GRCh38, 1-based): chrX:133,699,895, C>A on the plus strand (G>T on the coding strand, the complement: GPC3 is on the minus strand). VCF-style: chrX-133699895-C-A. GRCh37 (hg19) VCF-style: chrX-132833923-C-A.
Other names: c.1235G>T, p.Arg412Met (NM_001164617.2); c.1118G>T, p.Arg373Met (NM_001164618.2); c.1004G>T, p.Arg335Met (NM_001164619.2); short protein forms R373M, R389M, R412M, R335M.
Identifiers: ClinVar variation 2786508 (VCV002786508.3), dbSNP rs2521160178, ClinGen allele CA414699337.